The following is an entry in ClinVar:

NM_018292.5(QRSL1):c.896C>T (p.Ser299Phe)

Gene: QRSL1 (glutaminyl-tRNA amidotransferase subunit QRSL1; plus strand). Cytogenetic location: 6q21.
Variant type: single nucleotide variant.
Coding change: c.896C>T on transcript NM_018292.5 (MANE Select); coding-DNA position 896, C replaced by T.
Protein change: p.Ser299Phe; replaces serine 299 with phenylalanine.
Molecular consequence: missense variant.
Genome position (GRCh38, 1-based): chr6:106,654,776, C>T. VCF-style: chr6-106654776-C-T. GRCh37 (hg19) VCF-style: chr6-107102651-C-T.
Other names: c.896C>T (NM_018292.4); short protein forms S299F.
Identifiers: ClinVar variation 1442295 (VCV001442295.4), dbSNP rs137929985, ClinGen allele CA3944902.

ClinVar aggregate classification (germline): Uncertain significance. Review status: criteria provided, multiple submitters, no conflicts (2 of 4 stars). 2 submissions from 2 submitters: Uncertain significance (2). Last evaluated 2022-01-15.

Conditions:
Inborn genetic diseases. Identifiers: MedGen C0950123, MeSH D030342.

Allele frequency attached by ClinVar (database versions not stated): ESP Exome Variant Server 0.00015; TOPMed 0.00023; gnomAD 0.00024.

Submissions (2):

Labcorp Genetics (formerly Invitae), Labcorp
Classification: Uncertain significance. Last evaluated: 2022-01-15. Review status: criteria provided, single submitter. Criteria: Invitae Variant Classification Sherloc (09022015). Collection method: clinical testing. Allele origin: germline.
Comment: This sequence change replaces serine, which is neutral and polar, with phenylalanine, which is neutral and non-polar, at codon 299 of the QRSL1 protein (p.Ser299Phe). This variant is present in population databases (rs137929985, gnomAD 0.04%). This variant has not been reported in the literature in individuals affected with QRSL1-related conditions. Algorithms developed to predict the effect of missense changes on protein structure and function (SIFT, PolyPhen-2, Align-GVGD) all suggest that this variant is likely to be tolerated. In summary, the available evidence is currently insufficient to determine the role of this variant in disease. Therefore, it has been classified as a Variant of Uncertain Significance.

Ambry Genetics
Classification: Uncertain significance for Inborn genetic diseases. Last evaluated: 2021-10-22. Review status: criteria provided, single submitter. Criteria: Ambry Variant Classification Scheme 2023. Collection method: clinical testing. Allele origin: germline.